The following is an entry in ClinVar:

ClinVar aggregate classification (germline): Conflicting classifications of pathogenicity. Review status: criteria provided, conflicting classifications (1 of 4 stars). 12 submissions from 10 submitters: Uncertain significance (1); Benign (3); Likely benign (7). 1 of the submissions does not count toward it. Last evaluated 2026-01-31.

Conditions:
Autoinflammatory syndrome. Identifiers: Orphanet 93665, MedGen C3890737, MONDO:0019751.
Inborn genetic diseases. Identifiers: MedGen C0950123, MeSH D030342.
Acute febrile neutrophilic dermatosis (AFND). Also called: Sweet Syndrome; Gomm Button disease. Identifiers: Orphanet 3243, MedGen C0085077, MONDO:0011959, OMIM 608068.
Familial Mediterranean fever (FMF). Also called: Periodic peritonitis; Benign paroxysmal peritonitis; POLYSEROSITIS, FAMILIAL PAROXYSMAL; POLYSEROSITIS, RECURRENT. Identifiers: Orphanet 342, MedGen C0031069, MONDO:0018088, OMIM 249100. Disease mechanism: gain of function.
Familial Mediterranean fever, autosomal dominant. Also called: FMF, AUTOSOMAL DOMINANT; Dominant Familial Mediterranean Fever. Identifiers: Orphanet 342, MedGen C1851347, MONDO:0007601, OMIM 134610.

Allele frequency attached by ClinVar (database versions not stated): gnomAD exomes 0.00064 and 0.00155; ExAC 0.00176; gnomAD 0.00484; TOPMed 0.00588; 1000 Genomes Project 0.00619; ESP Exome Variant Server 0.00631.

Submissions (12):

Labcorp Genetics (formerly Invitae), Labcorp
Classification: Benign for Familial Mediterranean fever. Last evaluated: 2026-01-31. Review status: criteria provided, single submitter. Criteria: Invitae Variant Classification Sherloc (09022015). Collection method: clinical testing. Allele origin: germline.

Blueprint Genetics
Classification: Likely benign. Last evaluated: 2024-10-28. Review status: criteria provided, single submitter. Criteria: ACMG Guidelines, 2015. Collection method: clinical testing. Allele origin: germline.

Mayo Clinic Laboratories, Mayo Clinic
Classification: Benign. Last evaluated: 2024-10-05. Review status: criteria provided, single submitter. Criteria: ACMG Guidelines, 2015. Collection method: clinical testing. Allele origin: germline. Observed: 3 variant alleles.
Comment: BS1, BS2, BP4, BP7

Genome-Nilou Lab
Classification: Uncertain significance for Familial Mediterranean fever. Last evaluated: 2023-02-08. Review status: criteria provided, single submitter. Criteria: ACMG Guidelines, 2015. Collection method: clinical testing. Allele origin: germline.

Genome-Nilou Lab
Classification: Likely benign for Familial Mediterranean fever, autosomal dominant. Last evaluated: 2023-02-08. Review status: criteria provided, single submitter. Criteria: ACMG Guidelines, 2015. Collection method: clinical testing. Allele origin: germline.

Genome-Nilou Lab
Classification: Likely benign for Acute febrile neutrophilic dermatosis. Last evaluated: 2023-02-08. Review status: criteria provided, single submitter. Criteria: ACMG Guidelines, 2015. Collection method: clinical testing. Allele origin: germline.

Ambry Genetics
Classification: Likely benign for Inborn genetic diseases. Last evaluated: 2022-06-14. Review status: criteria provided, single submitter. Criteria: Ambry Variant Classification Scheme 2023. Collection method: clinical testing. Allele origin: germline.

Genome Diagnostics Laboratory, The Hospital for Sick Children
Classification: Likely benign for Autoinflammatory syndrome. Last evaluated: 2021-03-26. Review status: criteria provided, single submitter. Criteria: ACMG Guidelines, 2015. Collection method: clinical testing. Allele origin: germline. Affected: yes.

Women's Health and Genetics/Laboratory Corporation of America, LabCorp
Classification: Likely benign. Last evaluated: 2016-09-16. Review status: criteria provided, single submitter. Criteria: LabCorp Variant Classification Summary - May 2015. Collection method: clinical testing. Allele origin: germline.
Comment: Variant summary: The MEFV c.2163C>T (p.Phe721Phe) variant involves the alteration of a non-conserved nucleotide, resulting in a synonymous change. One in silico tool predicts a benign outcome for this variant. 5/5 splice prediction tools predict no significant impact on normal splicing. ESE finder predicts that this variant may create multiple ESE sites. However, these predictions have yet to be confirmed by functional studies. This variant was found in 215/121666 control chromosomes (2 homozygotes), predominantly observed in the African subpopulation at a frequency of 0.0180665 (188/10406). The frequency in Africans is similar to estimated maximal expected allele frequency of a pathogenic MEFV variant (0.0216506). Although there are no exact prevalence reports of FMF in African populations (unlike in other Mediterranean populations where this disease is common), we can consider the prevalence of FMF in Africans to be relatively lower. Therefore, the observed frequency of this variant which reaches ~2% (1.8% in NHLBI ESP and ExAC and 3.4% in HapMap) across multiple African populations is an indication that this variant is unlikely to have a pathogenic outcome or uncertain significance (maximum expected allele frequency for a pathogenic variant in MEFV is 2.2% when overall prevalence is taken at 1 in 400). Additionally, there are two homozygotes reported in the African cohort from ExAC. If only the observed frequencies in African populations were compared with ethnicity-specific disease prevalence (such as rare prevalence in Africans), the pbGP score would support for a benign outcome. Taken together, this variant is classified as likely benign until additional information is available.

GeneDx
Classification: Benign. Last evaluated: 2015-03-03. Review status: criteria provided, single submitter. Criteria: GeneDx Variant Classification Process June 2021. Collection method: clinical testing. Allele origin: germline. Affected: yes.

Breakthrough Genomics
Classification: Likely benign. Review status: criteria provided, single submitter. Criteria: ACMG Guidelines, 2015. Collection method: not provided. Allele origin: germline. Inheritance: Autosomal recessive inheritance. Affected: yes.

Natera, Inc.
Classification: Benign for Familial Mediterranean fever. Last evaluated: 2019-12-09. Review status: no assertion criteria provided. Collection method: clinical testing. Allele origin: germline. Not counted in ClinVar's aggregate classification.

Literature cited by the submitters: PubMed 22810696 (cited by Women's Health and Genetics/Laboratory Corporation of America, LabCorp); PubMed 14578331 (cited by Women's Health and Genetics/Laboratory Corporation of America, LabCorp); PubMed 22722202 (cited by Women's Health and Genetics/Laboratory Corporation of America, LabCorp).

NM_000243.3(MEFV):c.2163C>T (p.Phe721=)

Genes: MEFV (MEFV innate immunity regulator, pyrin; minus strand), LOC126862264 (CDK7 strongly-dependent group 2 enhancer GRCh37_chr16:3293322-3294521; plus strand). Cytogenetic location: 16p13.3.
Variant type: single nucleotide variant.
Coding change: c.2163C>T on transcript NM_000243.3 (MANE Select); coding-DNA position 2163, C replaced by T.
Protein change: p.Phe721=; no amino-acid change (phenylalanine 721 retained).
Molecular consequence: synonymous variant. On other transcripts: 3 prime UTR variant (1).
Genome position (GRCh38, 1-based): chr16:3,243,324, G>A on the plus strand (C>T on the coding strand, the complement: MEFV is on the minus strand). VCF-style: chr16-3243324-G-A. GRCh37 (hg19) VCF-style: chr16-3293324-G-A.
Other names: p.Phe721=; c.*367C>T (NM_001198536.2).
Identifiers: ClinVar variation 458000 (VCV000458000.25), dbSNP rs11466047, ClinGen allele CA7859863.
Genomic context (GRCh38, chr16:3,243,324, plus strand): 5'-ATAGATGTGGGATCTGGCTGTCACATTGTAAAAGGAGATGCTTCCAACTCTGTAGTCCAC[G>A]AAGATGCCCACACGCTTGGGAGGCTCCTTTATTAGCAGGCGGGTCGGGGGAACGCTGGAC-3'
Protein context (NP_000234.1, residues 711-731): IKEPPKRVGI[Phe721=]VDYRVGSISF